The following is an entry in ClinVar:

NM_007327.4(GRIN1):c.350C>T (p.Pro117Leu)

Gene: GRIN1 (glutamate ionotropic receptor NMDA type subunit 1; plus strand). Cytogenetic location: 9q34.3.
Variant type: single nucleotide variant.
Coding change: c.350C>T on transcript NM_007327.4 (MANE Select); coding-DNA position 350, C replaced by T.
Protein change: p.Pro117Leu; replaces proline 117 with leucine.
Molecular consequence: missense variant.
Genome position (GRCh38, 1-based): chr9:137,142,104, C>T. VCF-style: chr9-137142104-C-T. GRCh37 (hg19) VCF-style: chr9-140036556-C-T.
Other names: c.350C>T, p.Pro117Leu (NM_000832.7, NM_001185090.2, NM_001185091.2 and 1 more transcripts); short protein forms P117L.
Identifiers: ClinVar variation 161558 (VCV000161558.2), dbSNP rs193920837, ClinGen allele CA174336.

ClinVar aggregate classification (germline): Uncertain significance (0 of 4 stars; one submission).

Conditions:
Prostate cancer. Also called: Malignant tumor of prostate. Identifiers: Orphanet 1331, MedGen C0376358, MONDO:0008315, HP:0012125.

Submission:

Science for Life laboratory,  Karolinska Institutet
Classification: Uncertain significance for Malignant tumor of prostate. Review status: no assertion criteria provided. Collection method: not provided. Allele origin: somatic.
Comment: TumorID:SWE-14
ClinVar note: Converted during submission from Unknown to Uncertain significance.